The following is an entry in ClinVar:

ClinVar aggregate classification (germline): Uncertain significance (1 of 4 stars; one submission).

Conditions:
Primary ciliary dyskinesia. Also called: Ciliary dyskinesia. Identifiers: Orphanet 244, MedGen C0008780, MONDO:0016575, HP:0012265.

gnomAD v4.1: 6 of 1,614,068 alleles (0.00037%); highest among the groups gnomAD compares: Non-Finnish European, 0.00051%; no homozygotes.

Submission:

Ambry Genetics
Classification: Uncertain significance for Primary ciliary dyskinesia. Last evaluated: 2026-07-21. Review status: criteria provided, single submitter. Criteria: Ambry Variant Classification Scheme 2023. Collection method: clinical testing. Allele origin: germline.
Comment: The p.P247T variant (also known as c.739C>A), located in coding exon 6 of the DNAH5 gene, results from a C to A substitution at nucleotide position 739. The proline at codon 247 is replaced by threonine, an amino acid with highly similar properties. This amino acid position is conserved. In addition, this alteration is predicted to be tolerated by in silico analysis. Based on the available evidence, the clinical significance of this variant remains unclear.

NM_001369.3(DNAH5):c.739C>A (p.Pro247Thr)

Gene: DNAH5 (dynein axonemal heavy chain 5; minus strand). Cytogenetic location: 5p15.2.
Variant type: single nucleotide variant.
Coding change: c.739C>A on transcript NM_001369.3 (MANE Select); coding-DNA position 739, C replaced by A.
Protein change: p.Pro247Thr; replaces proline 247 with threonine.
Molecular consequence: missense variant.
Genome position (GRCh38, 1-based): chr5:13,920,539, G>T on the plus strand (C>A on the coding strand, the complement: DNAH5 is on the minus strand). VCF-style: chr5-13920539-G-T. GRCh37 (hg19) VCF-style: chr5-13920648-G-T.
Other names: short protein forms P247T.
Identifiers: ClinVar variation 5035459 (VCV005035459.1).